The following is an entry in ClinVar:

ClinVar aggregate classification (germline): Uncertain significance (1 of 4 stars; one submission).

Conditions:
Familial hemophagocytic lymphohistiocytosis 3 (FHL3). Also called: UNC13D-Related Familial Hemophagocytic Lymphohistiocytosis (UNC13D-fHLH). Identifiers: Orphanet 540, MedGen C1837174, MONDO:0012146, OMIM 608898.

Allele frequency attached by ClinVar (database versions not stated): gnomAD exomes 0.00001; TOPMed 0.00001.

Submission:

Labcorp Genetics (formerly Invitae), Labcorp
Classification: Uncertain significance for Familial hemophagocytic lymphohistiocytosis 3. Last evaluated: 2019-07-30. Review status: criteria provided, single submitter. Criteria: Invitae Variant Classification Sherloc (09022015). Collection method: clinical testing. Allele origin: germline.
Comment: This sequence change replaces threonine with isoleucine at codon 873 of the UNC13D protein (p.Thr873Ile). The threonine residue is weakly conserved and there is a moderate physicochemical difference between threonine and isoleucine. This variant is not present in population databases (ExAC no frequency). This variant has not been reported in the literature in individuals with UNC13D-related disease. Algorithms developed to predict the effect of missense changes on protein structure and function (SIFT, PolyPhen-2, Align-GVGD) all suggest that this variant is likely to be tolerated, but these predictions have not been confirmed by published functional studies and their clinical significance is uncertain. In summary, the available evidence is currently insufficient to determine the role of this variant in disease. Therefore, it has been classified as a Variant of Uncertain Significance.

NM_199242.3(UNC13D):c.2618C>T (p.Thr873Ile)

Gene: UNC13D (unc-13 homolog D; minus strand). Cytogenetic location: 17q25.1.
Variant type: single nucleotide variant.
Coding change: c.2618C>T on transcript NM_199242.3 (MANE Select); coding-DNA position 2618, C replaced by T.
Protein change: p.Thr873Ile; replaces threonine 873 with isoleucine.
Molecular consequence: missense variant.
Genome position (GRCh38, 1-based): chr17:75,831,105, G>A on the plus strand (C>T on the coding strand, the complement: UNC13D is on the minus strand). VCF-style: chr17-75831105-G-A. GRCh37 (hg19) VCF-style: chr17-73827186-G-A.
Other names: short protein forms T873I.
Identifiers: ClinVar variation 567440 (VCV000567440.9), dbSNP rs1322992956, ClinGen allele CA401081068.